The following is an entry in ClinVar:

NM_139321.3(ATRN):c.476C>T (p.Thr159Met)

Gene: ATRN (attractin; plus strand). Cytogenetic location: 20p13.
Variant type: single nucleotide variant.
Coding change: c.476C>T on transcript NM_139321.3 (MANE Select); coding-DNA position 476, C replaced by T.
Protein change: p.Thr159Met; replaces threonine 159 with methionine.
Molecular consequence: missense variant.
Genome position (GRCh38, 1-based): chr20:3,535,318, C>T. VCF-style: chr20-3535318-C-T. GRCh37 (hg19) VCF-style: chr20-3515965-C-T.
Other names: c.128C>T, p.Thr43Met (NM_001207047.3); c.476C>T, p.Thr159Met (NM_001323332.2, NM_139322.4); short protein forms T159M, T43M.
Identifiers: ClinVar variation 2319309 (VCV002319309.5), dbSNP rs1199796049, ClinGen allele CA408252432.

ClinVar aggregate classification (germline): Uncertain significance. Review status: criteria provided, multiple submitters, no conflicts (2 of 4 stars). 2 submissions from 2 submitters: Uncertain significance (2). Last evaluated 2023-06-25.

Allele frequency attached by ClinVar (database versions not stated): gnomAD 0.00001; gnomAD exomes 0.00001; TOPMed 0.00001.
gnomAD v4.1: 12 of 1,544,866 alleles (0.00078%); highest among the groups gnomAD compares: African/African-American, 0.0028%; no homozygotes.

Submissions (2):

Labcorp Genetics (formerly Invitae), Labcorp
Classification: Uncertain significance. Last evaluated: 2023-06-25. Review status: criteria provided, single submitter. Criteria: Invitae Variant Classification Sherloc (09022015). Collection method: clinical testing. Allele origin: germline.
Comment: The frequency data for this variant in the population databases is considered unreliable, as metrics indicate poor data quality at this position in the gnomAD database. An algorithm developed to predict the effect of missense changes on protein structure and function (PolyPhen-2) suggests that this variant is likely to be disruptive. ClinVar contains an entry for this variant (Variation ID: 2319309). This variant has not been reported in the literature in individuals affected with ATRN-related conditions. This sequence change replaces threonine, which is neutral and polar, with methionine, which is neutral and non-polar, at codon 159 of the ATRN protein (p.Thr159Met). In summary, the available evidence is currently insufficient to determine the role of this variant in disease. Therefore, it has been classified as a Variant of Uncertain Significance.

Ambry Genetics
Classification: Uncertain significance. Last evaluated: 2022-10-26. Review status: criteria provided, single submitter. Criteria: Ambry Variant Classification Scheme 2023. Collection method: clinical testing. Allele origin: germline.